The following is an entry in ClinVar:

NM_004519.4(KCNQ3):c.*2271T>A

Gene: KCNQ3 (potassium voltage-gated channel subfamily Q member 3; minus strand). Cytogenetic location: 8q24.22.
Variant type: single nucleotide variant.
Coding change: c.*2271T>A on transcript NM_004519.4 (MANE Select); 2271 bases downstream of the stop codon, T replaced by A.
Molecular consequence: 3 prime UTR variant.
Genome position (GRCh38, 1-based): chr8:132,126,991, A>T on the plus strand (T>A on the coding strand, the complement: KCNQ3 is on the minus strand). VCF-style: chr8-132126991-A-T. GRCh37 (hg19) VCF-style: chr8-133139238-A-T.
Other names: c.*2271T>A (NM_001204824.2).
Identifiers: ClinVar variation 361840 (VCV000361840.6), dbSNP rs149825293, ClinGen allele CA10630232.

ClinVar aggregate classification (germline): Benign (1 of 4 stars; one submission).

Conditions:
Seizures, benign familial neonatal, 2. Also called: CONVULSIONS, BENIGN FAMILIAL NEONATAL, 2; KCNQ3-Related Self-Limited Familial Neonatal Epilepsy (SLFNE); Benign Neonatal Epilepsy 2; KCNQ3-Related Benign Familial Neonatal Epilepsy; Seizures, benign neonatal, 2. Identifiers: Orphanet 1949, MedGen C1852581, MONDO:0007366, OMIM 121201.

Allele frequency attached by ClinVar (database versions not stated): gnomAD 0.00182 and 0.00177; 1000 Genomes Project 30x 0.00375; TOPMed 0.00184; 1000 Genomes Project 0.00339.
gnomAD v4.1: 266 of 152,348 alleles (0.17%); highest among the groups gnomAD compares: Middle Eastern, 0.68%; no homozygotes.

Submission:

Illumina Laboratory Services, Illumina
Classification: Benign for Seizures, benign familial neonatal, 2. Last evaluated: 2018-01-13. Review status: criteria provided, single submitter. Criteria: ICSL Variant Classification Criteria 13 December 2019. Collection method: clinical testing. Allele origin: germline.
Comment: This variant was observed in the ICSL laboratory as part of a predisposition screen in an ostensibly healthy population. It had not been previously curated by ICSL or reported in the Human Gene Mutation Database (HGMD: prior to June 1st, 2018), and was therefore a candidate for classification through an automated scoring system. Utilizing variant allele frequency, disease prevalence and penetrance estimates, and inheritance mode, an automated score was calculated to assess if this variant is too frequent to cause the disease. Based on the score and internal cut-off values, a variant classified as benign is not then subjected to further curation. The score for this variant resulted in a classification of benign for this disease.